The following is an entry in ClinVar:

NM_001303052.2(MYT1L):c.1516T>C (p.Cys506Arg)

Gene: MYT1L (myelin transcription factor 1 like; minus strand). Cytogenetic location: 2p25.3.
Variant type: single nucleotide variant.
Coding change: c.1516T>C on transcript NM_001303052.2 (MANE Select); coding-DNA position 1516, T replaced by C.
Protein change: p.Cys506Arg; replaces cysteine 506 with arginine.
Molecular consequence: missense variant.
Genome position (GRCh38, 1-based): chr2:1,917,307, A>G on the plus strand (T>C on the coding strand, the complement: MYT1L is on the minus strand). VCF-style: chr2-1917307-A-G. GRCh37 (hg19) VCF-style: chr2-1921079-A-G.
Other names: c.1516T>C, p.Cys506Arg (NM_001329844.2, NM_001329845.1, NM_001329851.3); c.1510T>C, p.Cys504Arg (NM_001329846.3, NM_001329847.2, NM_001329848.1 and 3 more transcripts); short protein forms C504R, C506R.
Identifiers: ClinVar variation 975749 (VCV000975749.6), dbSNP rs2052983721, ClinGen allele CA345702090.
Genomic context (GRCh38, chr2:1,917,307, plus strand): 5'-TGCGGTGATGTGGGTACAGCCCAGTTACGTGGCCGGTTCCATCACACCCGGGGGTTGGAC[A>G]CTTGCTCTCTTTCTTTTCTGTTCTTGAGGGATCTAAAAGCGACAACAGGTGCCAAGAGAA-3'
Protein context (NP_001289981.1, residues 496-516): PSRTEKKESK[Cys506Arg]PTPGCDGTGH

ClinVar aggregate classification (germline): Pathogenic/Likely pathogenic. Review status: criteria provided, multiple submitters, no conflicts (2 of 4 stars). 3 submissions from 3 submitters: Pathogenic (1); Likely pathogenic (1). 1 of the submissions does not count toward it. Last evaluated 2022-02-14.

Conditions:
Intellectual developmental disorder, autosomal dominant 39. Also called: Intellectual disability, autosomal dominant 39; Mental retardation, autosomal dominant 39. Identifiers: MedGen C4225296, MONDO:0014678, OMIM 616521.

Submissions (3):

MGZ Medical Genetics Center
Classification: Likely pathogenic for Intellectual developmental disorder, autosomal dominant 39. Last evaluated: 2022-02-14. Review status: criteria provided, single submitter. Criteria: ACMG Guidelines, 2015. Collection method: clinical testing. Allele origin: germline. Affected: yes. Observed: 1 variant allele.
Comment: ACMG criteria applied: PS2_MOD, PS4_MOD, PM1, PM2_SUP, PP3

GeneDx
Classification: Pathogenic. Last evaluated: 2021-01-14. Review status: criteria provided, single submitter. Criteria: GeneDx Variant Classification Process June 2021. Collection method: clinical testing. Allele origin: germline. Affected: yes.
Comment: Not observed in large population cohorts (Lek et al., 2016); In silico analysis supports that this missense variant has a deleterious effect on protein structure/function; This variant is associated with the following publications: (PMID: 31981491, 31332282, 28191890, 27824329, 25363768)

Centre de Biologie Pathologie Génétique, Centre Hospitalier Universitaire de Lille
Classification: Pathogenic for Mental retardation, autosomal dominant 39. Last evaluated: 2019-01-01. Review status: no assertion criteria provided. Collection method: clinical testing. Allele origin: de novo. Affected: yes. Not counted in ClinVar's aggregate classification.